The following is an entry in ClinVar:

NM_000046.5(ARSB):c.34G>C (p.Gly12Arg)

Genes: ARSB (arylsulfatase B; minus strand), LOC129994126 (ATAC-STARR-seq lymphoblastoid silent region 16127; plus strand). Cytogenetic location: 5q14.1.
Variant type: single nucleotide variant.
Coding change: c.34G>C on transcript NM_000046.5 (MANE Select); coding-DNA position 34, G replaced by C.
Protein change: p.Gly12Arg; replaces glycine 12 with arginine.
Molecular consequence: missense variant.
Genome position (GRCh38, 1-based): chr5:78,985,215, C>G on the plus strand (G>C on the coding strand, the complement: ARSB is on the minus strand). VCF-style: chr5-78985215-C-G. GRCh37 (hg19) VCF-style: chr5-78281038-C-G.
Other names: c.34G>C, p.Gly12Arg (NM_198709.3); short protein forms G12R.
Identifiers: ClinVar variation 2056948 (VCV002056948.2), dbSNP rs1753130873, ClinGen allele CA360197250.

ClinVar aggregate classification (germline): Uncertain significance (1 of 4 stars; one submission).

Conditions:
Mucopolysaccharidosis type 6 (MPS6). Also called: N-ACETYLGALACTOSAMINE-4-SULFATASE DEFICIENCY; MPS VI; ARSB DEFICIENCY; ARYLSULFATASE B DEFICIENCY; MPS 6; Maroteaux Lamy syndrome. Identifiers: Orphanet 583, MedGen C0026709, MONDO:0009661, OMIM 253200.

Allele frequency attached by ClinVar (database versions not stated): gnomAD 0.00001; TOPMed 0.00001.
gnomAD v4.1: 4 of 1,355,298 alleles (0.0003%); highest among the groups gnomAD compares: Non-Finnish European, 0.00038%; no homozygotes.

Submission:

Labcorp Genetics (formerly Invitae), Labcorp
Classification: Uncertain significance for Mucopolysaccharidosis type 6. Last evaluated: 2024-06-24. Review status: criteria provided, single submitter. Criteria: Invitae Variant Classification Sherloc (09022015). Collection method: clinical testing. Allele origin: germline.
Comment: This sequence change replaces glycine, which is neutral and non-polar, with arginine, which is basic and polar, at codon 12 of the ARSB protein (p.Gly12Arg). This variant is not present in population databases (gnomAD no frequency). This variant has not been reported in the literature in individuals affected with ARSB-related conditions. ClinVar contains an entry for this variant (Variation ID: 2056948). Advanced modeling of protein sequence and biophysical properties (such as structural, functional, and spatial information, amino acid conservation, physicochemical variation, residue mobility, and thermodynamic stability) has been performed at Invitae for this missense variant, however the output from this modeling did not meet the statistical confidence thresholds required to predict the impact of this variant on ARSB protein function. In summary, the available evidence is currently insufficient to determine the role of this variant in disease. Therefore, it has been classified as a Variant of Uncertain Significance.